The following is an entry in ClinVar:

ClinVar aggregate classification (germline): Pathogenic (1 of 4 stars; one submission).

Conditions:
Biotinidase deficiency. Also called: BTD deficiency; Late-onset biotin-responsive multiple carboxylase deficiency; Biotin deficiency. Identifiers: Orphanet 79241, MedGen C0220754, MONDO:0009665, OMIM 253260.

Submission:

Labcorp Genetics (formerly Invitae), Labcorp
Classification: Pathogenic for Biotinidase deficiency. Last evaluated: 2021-12-03. Review status: criteria provided, single submitter. Criteria: Invitae Variant Classification Sherloc (09022015). Collection method: clinical testing. Allele origin: germline.
Comment: This sequence change creates a premature translational stop signal (p.Tyr216*) in the BTD gene. While this is not anticipated to result in nonsense mediated decay, it is expected to disrupt the last 328 amino acid(s) of the BTD protein. This variant is not present in population databases (gnomAD no frequency). This variant has not been reported in the literature in individuals affected with BTD-related conditions. Algorithms developed to predict the effect of sequence changes on RNA splicing suggest that this variant may create or strengthen a splice site. This variant disrupts a region of the BTD protein in which other variant(s) (p.Leu498Phefs*13) have been determined to be pathogenic (PMID: 17382128, 19728141, 29359854). This suggests that this is a clinically significant region of the protein, and that variants that disrupt it are likely to be disease-causing. For these reasons, this variant has been classified as Pathogenic.

Literature cited by the submitters: PubMed 17382128; PubMed 19728141; PubMed 29359854.

NM_001370658.1(BTD):c.588C>G (p.Tyr196Ter)

Gene: BTD (biotinidase; plus strand). Cytogenetic location: 3p25.1.
Variant type: single nucleotide variant.
Coding change: c.588C>G on transcript NM_001370658.1 (MANE Select); coding-DNA position 588, C replaced by G.
Protein change: p.Tyr196Ter; replaces tyrosine 196 with a stop codon.
Molecular consequence: nonsense. On other transcripts: intron variant (1).
Genome position (GRCh38, 1-based): chr3:15,644,504, C>G. VCF-style: chr3-15644504-C-G. GRCh37 (hg19) VCF-style: chr3-15686011-C-G.
Other names: c.648C>G, p.Tyr216Ter (NM_000060.4); c.588C>G, p.Tyr196Ter (NM_001281723.4, NM_001281724.3, NM_001281725.3 and 18 more transcripts); c.399+2447C>G (NM_001370753.1); short protein forms Y196*, Y216*.
Identifiers: ClinVar variation 1409898 (VCV001409898.7), dbSNP rs2065635815, ClinGen allele CA351606752.